The following is an entry in ClinVar:

NM_007294.4(BRCA1):c.863G>A (p.Ser288Asn)

Gene: BRCA1 (BRCA1 DNA repair associated; minus strand). Cytogenetic location: 17q21.31.
Variant type: single nucleotide variant.
Coding change: c.863G>A on transcript NM_007294.4 (MANE Select); coding-DNA position 863, G replaced by A.
Protein change: p.Ser288Asn; replaces serine 288 with asparagine.
Molecular consequence: missense variant. On other transcripts: 5 prime UTR variant (2), intron variant (137).
Genome position (GRCh38, 1-based): chr17:43,094,668, C>T on the plus strand (G>A on the coding strand, the complement: BRCA1 is on the minus strand). VCF-style: chr17-43094668-C-T. GRCh37 (hg19) VCF-style: chr17-41246685-C-T.
Other names: c.650G>A, p.Ser217Asn (NM_001407571.1, NM_001407853.1, NM_001407894.1 and 9 more transcripts); c.863G>A, p.Ser288Asn (NM_001407581.1, NM_001407582.1, NM_001407583.1 and 30 more transcripts); c.860G>A, p.Ser287Asn (NM_001407587.1, NM_001407590.1, NM_001407591.1 and 22 more transcripts); c.854G>A, p.Ser285Asn (NM_001407646.1, NM_001407647.1); c.740G>A, p.Ser247Asn (NM_001407648.1, NM_001407664.1, NM_001407665.1 and 19 more transcripts); c.737G>A, p.Ser246Asn (NM_001407649.1, NM_001407670.1, NM_001407671.1 and 11 more transcripts); c.785G>A, p.Ser262Asn (NM_001407653.1, NM_001407654.1, NM_001407655.1 and 4 more transcripts); c.782G>A, p.Ser261Asn (NM_001407659.1, NM_001407660.1, NM_001407661.1 and 1 more transcripts); and 40 more; short protein forms S160N, S176N, S241N, S247N, S285N, S287N, S218N, S161N.
Identifiers: ClinVar variation 2118389 (VCV002118389.7), dbSNP rs2154488628, ClinGen allele CA10600353.
Genomic context (GRCh38, chr17:43,094,668, plus strand): 5'-CTTTTATTACAGAATTCAGCCTTTTCTACATTCATTCTGTCTTTAGTGAGTAATAAACTG[C>T]TGTTCTCATGCTGTAATGAGCTGGCATGAGTATTTGTGCCACATGGCTCCACATGCAAGT-3'
Protein context (NP_009225.1, residues 278-298): THASSLQHEN[Ser288Asn]SLLLTKDRMN

ClinVar aggregate classification (germline): Conflicting classifications of pathogenicity. Review status: criteria provided, conflicting classifications (1 of 4 stars). 3 submissions from 3 submitters: Uncertain significance (2); Likely benign (1). Last evaluated 2025-10-30.

Conditions:
Hereditary cancer-predisposing syndrome. Also called: Neoplastic Syndromes, Hereditary; Tumor predisposition; Hereditary Cancer Syndrome; Hereditary neoplastic syndrome. Identifiers: Orphanet 140162, MedGen C0027672, MeSH D009386, MONDO:0015356.
Hereditary breast ovarian cancer syndrome. Also called: Hereditary breast and ovarian cancer syndrome; Hereditary breast and ovarian cancer; Hereditary breast and ovarian cancer syndrome (HBOC); Hereditary breast and/or ovarian cancer syndrome; Breast and ovarian cancer; BRCA1- and BRCA2-Associated Hereditary Breast and Ovarian Cancer. Identifiers: Orphanet 145, MedGen C0677776, MeSH D061325, MONDO:0003582. Disease mechanism: loss of function.

Submissions (3):

Ambry Genetics
Classification: Uncertain significance for Hereditary cancer-predisposing syndrome. Last evaluated: 2025-10-30. Review status: criteria provided, single submitter. Criteria: Ambry Variant Classification Scheme 2023. Collection method: clinical testing. Allele origin: germline.
Comment: The p.S288N variant (also known as c.863G>A), located in coding exon 9 of the BRCA1 gene, results from a G to A substitution at nucleotide position 863. The serine at codon 288 is replaced by asparagine, an amino acid with highly similar properties. This amino acid position is conserved. In addition, the in silico prediction for this alteration is inconclusive. Based on the available evidence, the clinical significance of this variant remains unclear.

University of Washington Department of Laboratory Medicine, University of Washington
Classification: Likely benign for Hereditary cancer-predisposing syndrome. Last evaluated: 2023-03-23. Review status: criteria provided, single submitter. Criteria: Dines et al. (Genet Med. 2020). Collection method: curation. Allele origin: germline.
Comment: Missense variant in a coldspot region where missense variants are very unlikely to be pathogenic (PMID:31911673).

BRCA1 coldspot (exon 11 using historical exon numbering). Reclassification based on statistical prior probability

Labcorp Genetics (formerly Invitae), Labcorp
Classification: Uncertain significance for Hereditary breast ovarian cancer syndrome. Last evaluated: 2022-11-01. Review status: criteria provided, single submitter. Criteria: Invitae Variant Classification Sherloc (09022015). Collection method: clinical testing. Allele origin: germline.
Comment: Advanced modeling of protein sequence and biophysical properties (such as structural, functional, and spatial information, amino acid conservation, physicochemical variation, residue mobility, and thermodynamic stability) performed at Invitae indicates that this missense variant is not expected to disrupt BRCA1 protein function. In summary, the available evidence is currently insufficient to determine the role of this variant in disease. Therefore, it has been classified as a Variant of Uncertain Significance. This variant has not been reported in the literature in individuals affected with BRCA1-related conditions. This variant is not present in population databases (gnomAD no frequency). This sequence change replaces serine, which is neutral and polar, with asparagine, which is neutral and polar, at codon 288 of the BRCA1 protein (p.Ser288Asn).